The following is an entry in ClinVar:

NM_002677.5(PMP2):c.128T>A (p.Ile43Asn)

Gene: PMP2 (peripheral myelin protein 2; minus strand). Cytogenetic location: 8q21.13.
Variant type: single nucleotide variant.
Coding change: c.128T>A on transcript NM_002677.5 (MANE Select); coding-DNA position 128, T replaced by A.
Protein change: p.Ile43Asn; replaces isoleucine 43 with asparagine.
Molecular consequence: missense variant. On other transcripts: intron variant (1).
Genome position (GRCh38, 1-based): chr8:81,444,935, A>T on the plus strand (T>A on the coding strand, the complement: PMP2 is on the minus strand). VCF-style: chr8-81444935-A-T. GRCh37 (hg19) VCF-style: chr8-82357170-A-T.
Other names: c.74-334T>A (NM_001348381.2); short protein forms I43N.
Identifiers: ClinVar variation 243087 (VCV000243087.5), dbSNP rs879253869, ClinGen allele CA10584083.

ClinVar aggregate classification (germline): Pathogenic/Likely pathogenic. Review status: criteria provided, multiple submitters, no conflicts (2 of 4 stars). 3 submissions from 3 submitters: Pathogenic (1); Likely pathogenic (1). 1 of the submissions does not count toward it. Last evaluated 2025-04-28.

Conditions:
Charcot-Marie-Tooth disease, demyelinating, type 1G (CMT1G). Identifiers: Orphanet 476394, MedGen C4748940, MONDO:0033135, OMIM 618279.
Peripheral neuropathy. Also called: Neuropathy. Identifiers: MedGen C0031117, MONDO:0005244, HP:0009830.

Submissions (3):

Labcorp Genetics (formerly Invitae), Labcorp
Classification: Pathogenic. Last evaluated: 2025-04-28. Review status: criteria provided, single submitter. Criteria: Invitae Variant Classification Sherloc (09022015). Collection method: clinical testing. Allele origin: germline.
Comment: This sequence change replaces isoleucine, which is neutral and non-polar, with asparagine, which is neutral and polar, at codon 43 of the PMP2 protein (p.Ile43Asn). This variant is not present in population databases (gnomAD no frequency). This missense change has been observed in individuals with Charcot-Marie-Tooth disease (PMID: 26257172, 26828946; internal data). It has also been observed to segregate with disease in related individuals. ClinVar contains an entry for this variant (Variation ID: 243087). An algorithm developed to predict the effect of missense changes on protein structure and function (PolyPhen-2) suggests that this variant is likely to be disruptive. Experimental studies have shown that this missense change affects PMP2 function (PMID: 26257172, 26828946, 28747762). For these reasons, this variant has been classified as Pathogenic.

Lupski Lab, Baylor-Hopkins CMG, Baylor College of Medicine
Classification: Likely pathogenic for Peripheral neuropathy. Last evaluated: 2015-08-18. Review status: criteria provided, single submitter. Criteria: Gonzaga-Jauregui et al. (Cell Rep. 2015). Collection method: research. Allele origin: paternal. Inheritance: Autosomal dominant inheritance. Affected: yes. Observed: 3 variant alleles, 2 heterozygotes.
Comment: Likely pathogenic based on conservation and prediction scores (Phylop, Polyphen, SIFT, MutationTaster) . Variant segregated with the disease in a family with demyelinating peripheral neuropathy. Supported by function of encoded protein in myelin and zebrafish functional assay (PMID: 26257172).

OMIM
Classification: Pathogenic for CHARCOT-MARIE-TOOTH DISEASE, DEMYELINATING, TYPE 1G. Last evaluated: 2025-02-19. Review status: no assertion criteria provided. Collection method: literature only. Allele origin: germline. Not counted in ClinVar's aggregate classification.

Literature cited by the submitters: PubMed 26257172 (cited by Labcorp Genetics (formerly Invitae), Labcorp and OMIM); PubMed 26828946 (cited by Labcorp Genetics (formerly Invitae), Labcorp and OMIM); PubMed 28747762 (cited by Labcorp Genetics (formerly Invitae), Labcorp).